The following is an entry in ClinVar:

ClinVar aggregate classification (germline): Uncertain significance (1 of 4 stars; one submission).

Conditions:
Lower motor neuron syndrome with late-adult onset (SMAJ). Also called: Spinal muscular atrophy, Jokela type; Late-Onset Spinal Motor Neuronopathy (SMAJ). Identifiers: Orphanet 276435, MedGen C3554398, MONDO:0014025, OMIM 615048.
Frontotemporal dementia and/or amyotrophic lateral sclerosis 2. Also called: FTDALS2. Identifiers: Orphanet 275872, MedGen C4014648, MONDO:0014395, OMIM 615911.
Autosomal dominant mitochondrial myopathy with exercise intolerance (IMMD). Also called: Myopathy, isolated mitochondrial, autosomal dominant. Identifiers: Orphanet 457050, MedGen C4015513, MONDO:0014532, OMIM 616209.

Allele frequency attached by ClinVar (database versions not stated): gnomAD exomes below 0.00001.
gnomAD v4.1: 1 of 1,608,484 alleles (0.000062%); no homozygotes.

Submission:

Labcorp Genetics (formerly Invitae), Labcorp
Classification: Uncertain significance for Lower motor neuron syndrome with late-adult onset; Frontotemporal dementia and/or amyotrophic lateral sclerosis 2; Autosomal dominant mitochondrial myopathy with exercise intolerance. Last evaluated: 2017-05-15. Review status: criteria provided, single submitter. Criteria: Invitae Variant Classification Sherloc (09022015). Collection method: clinical testing. Allele origin: germline.
Comment: In summary, this variant has uncertain impact on CHCHD10 function. The available evidence is currently insufficient to determine its role in disease. Therefore, it has been classified as a Variant of Uncertain Significance. This variant has not been reported in the literature in individuals with a CHCHD10-related disease. Algorithms developed to predict the effect of missense changes on protein structure and function do not agree on the potential impact of this missense change (SIFT: "Tolerated"; PolyPhen-2: "Possibly Damaging"; Align-GVGD: "Class C0"). This variant is not present in population databases (ExAC no frequency). This sequence change replaces glutamic acid with lysine at codon 79 of the CHCHD10 protein (p.Glu79Lys). The glutamic acid residue is moderately conserved and there is a small physicochemical difference between glutamic acid and lysine.

NM_213720.3(CHCHD10):c.235G>A (p.Glu79Lys)

Gene: CHCHD10 (coiled-coil-helix-coiled-coil-helix domain containing 10; minus strand). Cytogenetic location: 22q11.23.
Variant type: single nucleotide variant.
Coding change: c.235G>A on transcript NM_213720.3 (MANE Select); coding-DNA position 235, G replaced by A.
Protein change: p.Glu79Lys; replaces glutamic acid 79 with lysine.
Molecular consequence: missense variant. On other transcripts: non-coding transcript variant (1).
Genome position (GRCh38, 1-based): chr22:23,767,400, C>T on the plus strand (G>A on the coding strand, the complement: CHCHD10 is on the minus strand). VCF-style: chr22-23767400-C-T. GRCh37 (hg19) VCF-style: chr22-24109587-C-T.
Other names: c.235G>A, p.Glu79Lys (NM_001301339.2); short protein forms E79K.
Identifiers: ClinVar variation 1021740 (VCV001021740.8), dbSNP rs1555925855, ClinGen allele CA410915910.